The following is an entry in ClinVar:

ClinVar aggregate classification (germline): Uncertain significance (1 of 4 stars; one submission).

Allele frequency attached by ClinVar (database versions not stated): ExAC 0.00001; gnomAD exomes 0.00001.
gnomAD v4.1: 8 of 1,614,200 alleles (0.0005%); highest among the groups gnomAD compares: Non-Finnish European, 0.00068%; no homozygotes.

Submission:

Labcorp Genetics (formerly Invitae), Labcorp
Classification: Uncertain significance. Last evaluated: 2023-05-01. Review status: criteria provided, single submitter. Criteria: Invitae Variant Classification Sherloc (09022015). Collection method: clinical testing. Allele origin: germline.
Comment: In summary, the available evidence is currently insufficient to determine the role of this variant in disease. Therefore, it has been classified as a Variant of Uncertain Significance. An algorithm developed to predict the effect of missense changes on protein structure and function (PolyPhen-2) suggests that this variant is likely to be disruptive. This variant has not been reported in the literature in individuals affected with TTC37-related conditions. This variant is present in population databases (rs772173993, gnomAD 0.002%). This sequence change replaces leucine, which is neutral and non-polar, with valine, which is neutral and non-polar, at codon 1128 of the TTC37 protein (p.Leu1128Val).

NM_014639.4(SKIC3):c.3382C>G (p.Leu1128Val)

Gene: SKIC3 (SKI3 subunit of superkiller complex; minus strand). Cytogenetic location: 5q15.
Variant type: single nucleotide variant.
Coding change: c.3382C>G on transcript NM_014639.4 (MANE Select); coding-DNA position 3382, C replaced by G.
Protein change: p.Leu1128Val; replaces leucine 1128 with valine.
Molecular consequence: missense variant.
Genome position (GRCh38, 1-based): chr5:95,498,551, G>C on the plus strand (C>G on the coding strand, the complement: SKIC3 is on the minus strand). VCF-style: chr5-95498551-G-C. GRCh37 (hg19) VCF-style: chr5-94834255-G-C.
Other names: short protein forms L1128V.
Identifiers: ClinVar variation 2800047 (VCV002800047.2), dbSNP rs772173993, ClinGen allele CA3346735.